The following is an entry in ClinVar:

NM_002691.4(POLD1):c.758+1G>A

Gene: POLD1 (DNA polymerase delta 1, catalytic subunit; plus strand). Cytogenetic location: 19q13.33.
Variant type: single nucleotide variant.
Coding change: c.758+1G>A on transcript NM_002691.4 (MANE Select); the canonical splice donor site of the intron after coding-DNA position 758, G replaced by A.
Molecular consequence: splice donor variant.
Genome position (GRCh38, 1-based): chr19:50,402,374, G>A. VCF-style: chr19-50402374-G-A. GRCh37 (hg19) VCF-style: chr19-50905631-G-A.
Other names: c.758+1G>A (NM_001256849.1, NM_001308632.1).
Identifiers: ClinVar variation 827136 (VCV000827136.5), dbSNP rs1601201244, ClinGen allele CA406974700.
Genomic context (GRCh38, chr19:50,402,374, plus strand): 5'-GGCAGGCCTGGGCACGCCCAGCTTCGCGCCCTACGAGGCCAACGTCGACTTTGAGATCCG[G>A]TACGGCCTCTGCCTCACTTCTCCGGCCTCTATCCCCACCCTCGGGCAGCCCCTGTCCACT-3'

ClinVar aggregate classification (germline): Uncertain significance (1 of 4 stars; one submission).

Conditions:
Hereditary cancer-predisposing syndrome. Also called: Neoplastic Syndromes, Hereditary; Tumor predisposition; Hereditary neoplastic syndrome; Hereditary Cancer Syndrome. Identifiers: Orphanet 140162, MedGen C0027672, MeSH D009386, MONDO:0015356.

Submission:

Ambry Genetics
Classification: Uncertain significance for Hereditary cancer-predisposing syndrome. Last evaluated: 2024-12-30. Review status: criteria provided, single submitter. Criteria: Ambry Variant Classification Scheme 2023. Collection method: clinical testing. Allele origin: germline.
Comment: The c.758+1G>A intronic variant results from a G to A substitution one nucleotide after coding exon 5 of the POLD1 gene. This nucleotide position is highly conserved in available vertebrate species. In silico splice site analysis predicts that this alteration will weaken the native splice donor site. Alterations that disrupt the canonical splice site are expected to cause aberrant splicing, resulting in an abnormal protein or a transcript that is subject to nonsense-mediated mRNA decay. However, loss of function of POLD1 has not been established as a mechanism of disease. Based on the available evidence, the clinical significance of this alteration remains unclear.